The following is an entry in ClinVar:

NM_153332.4(ERI1):c.480T>C (p.Asn160=)

Gene: ERI1 (exoribonuclease 1). Cytogenetic location: 8p23.1.
Variant type: single nucleotide variant.
Coding change: c.480T>C on transcript NM_153332.4 (MANE Select); coding-DNA position 480, T replaced by C.
Protein change: p.Asn160=; no amino-acid change (asparagine 160 retained).
Molecular consequence: synonymous variant.
Genome position (GRCh38, 1-based): chr8:9,011,734, T>C. VCF-style: chr8-9011734-T-C. GRCh37 (hg19) VCF-style: chr8-8869244-T-C.
Other names: c.246T>C, p.Asn82= (NM_001354635.2); c.135T>C, p.Asn45= (NM_001354636.2); c.480T>C, p.Asn160= (NM_001354638.2).
Identifiers: ClinVar variation 4085985 (VCV004085985.8).

ClinVar aggregate classification (germline): Likely benign (1 of 4 stars; one submission).

Submission:

CeGaT Center for Human Genetics Tuebingen
Classification: Likely benign. Last evaluated: 2025-09-01. Review status: criteria provided, single submitter. Criteria: CeGaT Center For Human Genetics Tuebingen Variant Classification Criteria Version 2. Collection method: clinical testing. Allele origin: germline. Affected: yes. Observed: 1 variant allele.
Comment: ERI1: PM2:Supporting, BP4, BP7